The following is an entry in ClinVar:

NM_004260.4(RECQL4):c.42G>C (p.Trp14Cys)

Genes: RECQL4 (RecQ like helicase 4; minus strand), LOC130001411 (ATAC-STARR-seq lymphoblastoid silent region 19699; plus strand). Cytogenetic location: 8q24.3.
Variant type: single nucleotide variant.
Coding change: c.42G>C on transcript NM_004260.4 (MANE Select); coding-DNA position 42, G replaced by C.
Protein change: p.Trp14Cys; replaces tryptophan 14 with cysteine.
Molecular consequence: missense variant. On other transcripts: 5 prime UTR variant (17), non-coding transcript variant (3).
Genome position (GRCh38, 1-based): chr8:144,517,743, C>G on the plus strand (G>C on the coding strand, the complement: RECQL4 is on the minus strand). VCF-style: chr8-144517743-C-G. GRCh37 (hg19) VCF-style: chr8-145743127-C-G.
Other names: c.42G>C, p.Trp14Cys (NM_001413017.1, NM_001413018.1, NM_001413019.1 and 6 more transcripts); c.-744G>C (NM_001413021.1); c.-1095G>C (NM_001413022.1, NM_001413023.1, NM_001413037.1 and 2 more transcripts); c.-992G>C (NM_001413024.1); c.-1092G>C (NM_001413027.1); c.-820G>C (NM_001413028.1); c.-1157G>C (NM_001413030.1, NM_001413031.1, NM_001413041.1); c.-989G>C (NM_001413032.1); and 4 more; short protein forms W14C.
Identifiers: ClinVar variation 3944301 (VCV003944301.1).

ClinVar aggregate classification (germline): Uncertain significance (1 of 4 stars; one submission).

Conditions:
Inborn genetic diseases. Identifiers: MedGen C0950123, MeSH D030342.

Submission:

Ambry Genetics
Classification: Uncertain significance for Inborn genetic diseases. Last evaluated: 2025-05-02. Review status: criteria provided, single submitter. Criteria: Ambry Variant Classification Scheme 2023. Collection method: clinical testing. Allele origin: germline.
Comment: The p.W14C variant (also known as c.42G>C), located in coding exon 1 of the RECQL4 gene, results from a G to C substitution at nucleotide position 42. The tryptophan at codon 14 is replaced by cysteine, an amino acid with highly dissimilar properties. This amino acid position is conserved. In addition, the in silico prediction for this alteration is inconclusive. Based on the available evidence, the clinical significance of this variant remains unclear.